The following is an entry in ClinVar:

NM_003924.4(PHOX2B):c.429+6C>T

Gene: PHOX2B (paired like homeobox 2B; minus strand). Cytogenetic location: 4p13.
Variant type: single nucleotide variant.
Coding change: c.429+6C>T on transcript NM_003924.4 (MANE Select); 6 bases into the intron after coding-DNA position 429, C replaced by T.
Molecular consequence: intron variant.
Genome position (GRCh38, 1-based): chr4:41,747,343, G>A on the plus strand (C>T on the coding strand, the complement: PHOX2B is on the minus strand). VCF-style: chr4-41747343-G-A. GRCh37 (hg19) VCF-style: chr4-41749360-G-A.
Identifiers: ClinVar variation 2030545 (VCV002030545.4), dbSNP rs1413093395, ClinGen allele CA2580071024.

ClinVar aggregate classification (germline): Uncertain significance (1 of 4 stars; one submission).

Conditions:
Haddad syndrome (OHD). Also called: Ondine-Hirschsprung disease. Identifiers: Orphanet 99803, MedGen C1859049, MONDO:0020493.

Submission:

Labcorp Genetics (formerly Invitae), Labcorp
Classification: Uncertain significance for Haddad syndrome. Last evaluated: 2023-04-28. Review status: criteria provided, single submitter. Criteria: Invitae Variant Classification Sherloc (09022015). Collection method: clinical testing. Allele origin: germline.
Comment: This variant is not present in population databases (gnomAD no frequency). In summary, the available evidence is currently insufficient to determine the role of this variant in disease. Therefore, it has been classified as a Variant of Uncertain Significance. Variants that disrupt the consensus splice site are a relatively common cause of aberrant splicing (PMID: 17576681, 9536098). Algorithms developed to predict the effect of sequence changes on RNA splicing suggest that this variant is not likely to affect RNA splicing. ClinVar contains an entry for this variant (Variation ID: 2030545). This variant has not been reported in the literature in individuals affected with PHOX2B-related conditions. This sequence change falls in intron 2 of the PHOX2B gene. It does not directly change the encoded amino acid sequence of the PHOX2B protein. It affects a nucleotide within the consensus splice site.

Literature cited by the submitters: PubMed 17576681; PubMed 9536098.